The following is an entry in ClinVar:

NM_006231.4(POLE):c.1617C>A (p.Tyr539Ter)

Gene: POLE (DNA polymerase epsilon, catalytic subunit; minus strand). Cytogenetic location: 12q24.33.
Variant type: single nucleotide variant.
Coding change: c.1617C>A on transcript NM_006231.4 (MANE Select); coding-DNA position 1617, C replaced by A.
Protein change: p.Tyr539Ter; replaces tyrosine 539 with a stop codon.
Molecular consequence: nonsense.
Genome position (GRCh38, 1-based): chr12:132,672,696, G>T on the plus strand (C>A on the coding strand, the complement: POLE is on the minus strand). VCF-style: chr12-132672696-G-T. GRCh37 (hg19) VCF-style: chr12-133249282-G-T.
Other names: short protein forms Y539*.
Identifiers: ClinVar variation 819672 (VCV000819672.5), dbSNP rs775930793, ClinGen allele CA387356755.
Genomic context (GRCh38, chr12:132,672,696, plus strand): 5'-CCGGCAAGGGATATCGCTGCGGAAAACCCCAGACTCGAGGGCCTCCACGTGGCCCCCGAC[G>T]TAGGTCTCAGAGTCCAGCACGTGTCCGTCGTCCGTCAGCTTATTGAACTCCTGCTCTTGC-3'

ClinVar aggregate classification (germline): Uncertain significance (1 of 4 stars; one submission).

Conditions:
Hereditary cancer-predisposing syndrome. Also called: Tumor predisposition; Neoplastic Syndromes, Hereditary; Hereditary Cancer Syndrome; Hereditary neoplastic syndrome. Identifiers: Orphanet 140162, MedGen C0027672, MeSH D009386, MONDO:0015356.

gnomAD v4.1: 3 of 1,614,146 alleles (0.00019%); highest among the groups gnomAD compares: South Asian, 0.0011%; no homozygotes.

Submission:

Ambry Genetics
Classification: Uncertain significance for Hereditary cancer-predisposing syndrome. Last evaluated: 2026-01-15. Review status: criteria provided, single submitter. Criteria: Ambry Variant Classification Scheme 2023. Collection method: clinical testing. Allele origin: germline.
Comment: The p.Y539* variant (also known as c.1617C>A), located in coding exon 15 of the POLE gene, results from a C to A substitution at nucleotide position 1617. This changes the amino acid from a tyrosine to a stop codon within coding exon 15. This alteration is expected to result in loss of function by premature protein truncation or nonsense-mediated mRNA decay. Although biallelic loss of function of POLE has been associated with autosomal recessive POLE deficiency, haploinsufficiency of POLE has not been established as a mechanism of disease for POLE-related polymerase proofreading-associated polyposis (PPAP) and POLE-related CMMRD-like syndrome. Based on the supporting evidence, this variant is expected to be causative of POLE deficiency when present along with a second pathogenic variant on the other allele; however, its clinical significance for PPAP and POLE-related CMMRD-like syndrome is unclear.